The following is an entry in ClinVar:

ClinVar aggregate classification (germline): Uncertain significance (1 of 4 stars; one submission).

Conditions:
Hereditary cancer-predisposing syndrome. Also called: Neoplastic Syndromes, Hereditary; Tumor predisposition; Hereditary Cancer Syndrome; Hereditary neoplastic syndrome. Identifiers: Orphanet 140162, MedGen C0027672, MeSH D009386, MONDO:0015356.

Submission:

Ambry Genetics
Classification: Uncertain significance for Hereditary cancer-predisposing syndrome. Last evaluated: 2026-07-31. Review status: criteria provided, single submitter. Criteria: Ambry Variant Classification Scheme 2023. Collection method: clinical testing. Allele origin: germline.
Comment: The p.Q100P variant (also known as c.299A>C), located in coding exon 2 of the STK11 gene, results from an A to C substitution at nucleotide position 299. The glutamine at codon 100 is replaced by proline, an amino acid with similar properties. This amino acid position is highly conserved in available vertebrate species. In addition, this alteration is predicted to be deleterious by in silico analysis. Based on the available evidence, the clinical significance of this variant remains unclear.

NM_000455.5(STK11):c.299A>C (p.Gln100Pro)

Gene: STK11 (serine/threonine kinase 11; plus strand). Cytogenetic location: 19p13.3.
Variant type: single nucleotide variant.
Coding change: c.299A>C on transcript NM_000455.5 (MANE Select); coding-DNA position 299, A replaced by C.
Protein change: p.Gln100Pro; replaces glutamine 100 with proline.
Molecular consequence: missense variant. On other transcripts: non-coding transcript variant (1).
Genome position (GRCh38, 1-based): chr19:1,218,425, A>C. VCF-style: chr19-1218425-A-C. GRCh37 (hg19) VCF-style: chr19-1218424-A-C.
Other names: c.299A>C, p.Gln100Pro (NM_001407255.1); short protein forms Q100P.
Identifiers: ClinVar variation 3231745 (VCV003231745.2), dbSNP rs1060499957, ClinGen allele CA402947646.